The following is an entry in ClinVar:

NC_000019.9:g.(?_45851780)_(45867270_?)del

Genes: ERCC2 (ERCC excision repair 2, TFIIH core complex helicase subunit; minus strand), KLC3 (kinesin light chain 3; plus strand). Cytogenetic location: 19q13.32.
Variant type: Deletion.
Identifiers: ClinVar variation 3242645 (VCV003242645.1).

ClinVar aggregate classification (germline): Pathogenic (1 of 4 stars; one submission).

Submission:

Labcorp Genetics (formerly Invitae), Labcorp
Classification: Pathogenic. Last evaluated: 2023-03-29. Review status: criteria provided, single submitter. Criteria: Invitae Variant Classification Sherloc (09022015). Collection method: clinical testing. Allele origin: unknown.
Comment: For these reasons, this variant has been classified as Pathogenic. This variant disrupts a region of the ERCC2 protein in which other variant(s) (p.Ala725Pro) have been determined to be pathogenic (PMID: 9195225, 23232694, 25002996). This suggests that this is a clinically significant region of the protein, and that variants that disrupt it are likely to be disease-causing. This variant has not been reported in the literature in individuals affected with ERCC2-related conditions. This variant results in the deletion of exons 11-23 and part of exon 10 (c.923_*3107del) of the ERCC2 gene. While this deletion is not anticipated to lead to nonsense mediated decay, it is expected to alter mRNA translation or result in a truncated protein product.

Literature cited by the submitters: PubMed 9195225; PubMed 23232694; PubMed 25002996.